The following is an entry in ClinVar:

NM_000397.4(CYBB):c.670G>T (p.Ala224Ser)

Gene: CYBB (cytochrome b-245 beta chain; plus strand). Cytogenetic location: Xp21.1.
Variant type: single nucleotide variant.
Coding change: c.670G>T on transcript NM_000397.4 (MANE Select); coding-DNA position 670, G replaced by T.
Protein change: p.Ala224Ser; replaces alanine 224 with serine.
Molecular consequence: missense variant.
Genome position (GRCh38, 1-based): chrX:37,796,137, G>T. VCF-style: chrX-37796137-G-T. GRCh37 (hg19) VCF-style: chrX-37655390-G-T.
Other names: short protein forms A224S.
Identifiers: ClinVar variation 2698724 (VCV002698724.4), dbSNP rs1556468420, ClinGen allele CA412976448.
Genomic context (GRCh38, chrX:37,796,137, plus strand): 5'-GTCTTTTGGTACACACATCATCTCTTTGTGATCTTCTTCATTGGCCTTGCCATCCATGGA[G>T]CTGAGTGAGTGTTTAAATTCTGAAGTGAAGGATTTCATGTCCCTCAATTTCTAGGCAGGA-3'
Protein context (NP_000388.2, residues 214-234): IFFIGLAIHG[Ala224Ser]ERIVRGQTAE

ClinVar aggregate classification (germline): Uncertain significance. Review status: criteria provided, multiple submitters, no conflicts (2 of 4 stars). 2 submissions from 2 submitters: Uncertain significance (2). Last evaluated 2026-04-20.

Conditions:
Inborn genetic diseases. Identifiers: MedGen C0950123, MeSH D030342.
Granulomatous disease, chronic, X-linked. Also called: GRANULOMATOUS DISEASE, CHRONIC, X-LINKED, SOMATIC MOSAIC; CYTOCHROME b-NEGATIVE GRANULOMATOUS DISEASE, CHRONIC, X-LINKED. Identifiers: Orphanet 379, MedGen C1844376, MONDO:0010600, OMIM 306400.

gnomAD v4.1: 1 of 1,202,712 alleles (0.000083%); highest among the groups gnomAD compares: Non-Finnish European, 0.00011%; no homozygotes.

Submissions (2):

Ambry Genetics
Classification: Uncertain significance for Inborn genetic diseases. Last evaluated: 2026-04-20. Review status: criteria provided, single submitter. Criteria: Ambry Variant Classification Scheme 2023. Collection method: clinical testing. Allele origin: germline.

Labcorp Genetics (formerly Invitae), Labcorp
Classification: Uncertain significance for Granulomatous disease, chronic, X-linked. Last evaluated: 2023-12-18. Review status: criteria provided, single submitter. Criteria: Invitae Variant Classification Sherloc (09022015). Collection method: clinical testing. Allele origin: germline.
Comment: This sequence change replaces alanine, which is neutral and non-polar, with serine, which is neutral and polar, at codon 224 of the CYBB protein (p.Ala224Ser). This variant is not present in population databases (gnomAD no frequency). This variant has not been reported in the literature in individuals affected with CYBB-related conditions. Advanced modeling of protein sequence and biophysical properties (such as structural, functional, and spatial information, amino acid conservation, physicochemical variation, residue mobility, and thermodynamic stability) performed at Invitae indicates that this missense variant is not expected to disrupt CYBB protein function with a negative predictive value of 80%. In summary, the available evidence is currently insufficient to determine the role of this variant in disease. Therefore, it has been classified as a Variant of Uncertain Significance.